The following is an entry in ClinVar:

NM_020719.3(PRR12):c.3559C>T (p.Pro1187Ser)

Gene: PRR12 (proline rich 12; plus strand). Cytogenetic location: 19q13.33.
Variant type: single nucleotide variant.
Coding change: c.3559C>T on transcript NM_020719.3 (MANE Select); coding-DNA position 3559, C replaced by T.
Protein change: p.Pro1187Ser; replaces proline 1187 with serine.
Molecular consequence: missense variant.
Genome position (GRCh38, 1-based): chr19:49,597,894, C>T. VCF-style: chr19-49597894-C-T. GRCh37 (hg19) VCF-style: chr19-50101151-C-T.
Other names: short protein forms P1187S.
Identifiers: ClinVar variation 3768074 (VCV003768074.1).
Genomic context (GRCh38, chr19:49,597,894, plus strand): 5'-CCACCCCGGCCACGGGGGAGGCCCCGGATCCGCCCCCTGGAGGTCCCGACCACTGCGGGG[C>T]CCGCCTCGGCCTCCACGCCCACCGATGGCGCCAAGAAACCCCGGGGCCGGGGCCGAGGCC-3'
Protein context (NP_065770.1, residues 1177-1197): RPLEVPTTAG[Pro1187Ser]ASASTPTDGA

ClinVar aggregate classification (germline): Uncertain significance (1 of 4 stars; one submission).

gnomAD v4.1: 2 of 1,419,912 alleles (0.00014%); highest among the groups gnomAD compares: Non-Finnish European, 0.000092%; no homozygotes.

Submission:

Women's Health and Genetics/Laboratory Corporation of America, LabCorp
Classification: Uncertain significance. Last evaluated: 2024-12-12. Review status: criteria provided, single submitter. Criteria: LabCorp Variant Classification Summary - May 2015. Collection method: clinical testing. Allele origin: germline.
Comment: Variant summary: PRR12 c.3559C>T (p.Pro1187Ser) results in a non-conservative amino acid change in the encoded protein sequence. Three of five in-silico tools predict a benign effect of the variant on protein function. The variant allele was found at a frequency of 2.6e-05 in 38288 control chromosomes. The available data on variant occurrences in the general population are insufficient to allow any conclusion about variant significance. To our knowledge, no occurrence of c.3559C>T in individuals affected with Neuroocular Syndrome and no experimental evidence demonstrating its impact on protein function have been reported. No submitters have cited clinical-significance assessments for this variant to ClinVar. Based on the evidence outlined above, the variant was classified as uncertain significance.